The following is an entry in ClinVar:

NM_000232.5(SGCB):c.377_384dup (p.Gly129delinsGlnTer)

Gene: SGCB (sarcoglycan beta; minus strand). Cytogenetic location: 4q12.
Variant type: Duplication.
Coding change: c.377_384dup on transcript NM_000232.5 (MANE Select); coding-DNA positions 377 to 384, 8 bases duplicated (CAGTAGGA; older notation c.377_384dupCAGTAGGA).
Protein change: p.Gly129delinsGlnTer.
Molecular consequence: nonsense.
Genome position (GRCh38, 1-based): chr4:52,029,723-52,029,730, TCCTACTG duplicated on the plus strand (CAGTAGGA on the coding strand, the reverse complement: SGCB is on the minus strand); duplicating any 8 consecutive bases within chr4:52,029,723-52,029,731 gives the same sequence; the c. name uses the placement nearest the transcript's 3' end. VCF-style (leftmost placement, unchanged base first): chr4-52029722-C-CTCCTACTG. GRCh37 (hg19) VCF-style: chr4-52895888-C-CTCCTACTG.
Other names: NM_000232.5(SGCB):c.377_384dup; p.Gly129delinsGlnTer; c.377_384dup (NM_000232.4).
Identifiers: ClinVar variation 8714 (VCV000008714.11), dbSNP rs751427729, ClinGen allele CA2918420.

ClinVar aggregate classification (germline): Pathogenic. Review status: reviewed by expert panel (3 of 4 stars). 4 submissions from 4 submitters: Pathogenic (1). 3 of the submissions do not count toward it. Last evaluated 2025-01-08.

Conditions:
Autosomal recessive limb-girdle muscular dystrophy. Identifiers: Orphanet 102015, MedGen C2931907, MONDO:0015152.
Autosomal recessive limb-girdle muscular dystrophy type 2E (LGMDR4). Also called: MUSCULAR DYSTROPHY, LIMB-GIRDLE, AUTOSOMAL RECESSIVE 4. Identifiers: Orphanet 119, MedGen C1858593, MONDO:0011423, OMIM 604286. Disease mechanism: Affects gamma-sarcoglycan and also disrupts the integrity of the entire sarcoglycan complex..

Submissions (4):

ClinGen Limb Girdle Muscular Dystrophy Variant Curation Expert Panel, ClinGen
Classification: Pathogenic for Autosomal recessive limb-girdle muscular dystrophy. Last evaluated: 2025-01-08. Review status: reviewed by expert panel. Criteria: ClinGen LGMD VCEP ACMG Specifications SGCB V1.0.0. Collection method: curation. Allele origin: germline. Inheritance: Autosomal recessive inheritance.
Comment: The NM_000232.5: c.377_384dup p.(Gly129delinsGlnTer) variant in SGCB, which is also known as p.(Gly129GlnfsTer2), is a presumed in tandem duplication of nucleotides 377-384, which is predicted to cause a frameshift and introduce a premature stop codon in biologically relevant exon 3/6, leading to nonsense mediated decay in a gene in which loss of function is an established disease mechanism (PVS1). This variant has been detected in at least 10 individuals with limb girdle muscular dystrophy, including in a homozygous state in four (1.0 pt) and confirmed in trans with a likely pathogenic or pathogenic variant in two (c.699_702del, 1.0 pt; c.85A>T p.(Arg29Ter), 1.0 pt) (PMID: 25862795, 36077211, 10662809; PM3_Strong). This variant has been reported to segregate with autosomal recessive LGMD in two affected family members from two Italian families (PMID: 25862795; PP1_Moderate). At least one patient with this variant and a second SGCB variant showed a progressive LGMD phenotype and significantly reduced expression of beta-sarcoglycan in skeletal muscle, which is highly specific for SGCB-related LGMD (PP4_Moderate (capped with PP1_Moderate); PMID: 36077211). The highest minor allele frequency of this variant is 0.000008791 in the European (non-Finnish) population in gnomAD v2.1.1 (1/113750 exome chromosomes), which is lower than the LGMD VCEP threshold (<0.00009) for PM2_Supporting, meeting this criterion (PM2_Supporting). In summary, this variant meets the criteria to be classified as Pathogenic for autosomal recessive limb girdle muscular dystrophy based on the ACMG/AMP criteria applied, as specified by the ClinGen LGMD VCEP (LGMD VCEP specifications version 1.0.0; 01/08/2025): PVS1, PM3_Strong, PP1_Moderate, PP4_Moderate, PM2_Supporting.

Revvity Omics, Revvity
Classification: Pathogenic for Autosomal recessive limb-girdle muscular dystrophy type 2E. Last evaluated: 2024-04-30. Review status: criteria provided, single submitter. Criteria: ACMG Guidelines, 2015. Collection method: clinical testing. Allele origin: germline. Not counted in ClinVar's aggregate classification.

Labcorp Genetics (formerly Invitae), Labcorp
Classification: Pathogenic for Autosomal recessive limb-girdle muscular dystrophy type 2E. Last evaluated: 2023-08-11. Review status: criteria provided, single submitter. Criteria: Invitae Variant Classification Sherloc (09022015). Collection method: clinical testing. Allele origin: germline. Not counted in ClinVar's aggregate classification.
Comment: This sequence change creates a premature translational stop signal (p.Gly129Glnfs*2) in the SGCB gene. It is expected to result in an absent or disrupted protein product. Loss-of-function variants in SGCB are known to be pathogenic (PMID: 15938573, 18285821). This variant is present in population databases (rs751427729, gnomAD 0.0009%). This premature translational stop signal has been observed in individual(s) with SGCB-related conditions (PMID: 7581449). ClinVar contains an entry for this variant (Variation ID: 8714). For these reasons, this variant has been classified as Pathogenic.

OMIM
Classification: Pathogenic for MUSCULAR DYSTROPHY, LIMB-GIRDLE, AUTOSOMAL RECESSIVE 4. Last evaluated: 2000-02-01. Review status: no assertion criteria provided. Collection method: literature only. Allele origin: germline. Not counted in ClinVar's aggregate classification.

Literature cited by the submitters: PubMed 15938573 (cited by Labcorp Genetics (formerly Invitae), Labcorp); PubMed 18285821 (cited by Labcorp Genetics (formerly Invitae), Labcorp); PubMed 7581449 (cited by Labcorp Genetics (formerly Invitae), Labcorp and OMIM); PubMed 10874299 (cited by OMIM); PubMed 10662809 (cited by OMIM).